The following is an entry in ClinVar:

ClinVar aggregate classification (germline): Uncertain significance (1 of 4 stars; one submission).

Allele frequency attached by ClinVar (database versions not stated): ExAC 0.00001; gnomAD exomes 0.00001.
gnomAD v4.1: 23 of 1,613,836 alleles (0.0014%); highest among the groups gnomAD compares: Non-Finnish European, 0.0019%; no homozygotes.

Submission:

Labcorp Genetics (formerly Invitae), Labcorp
Classification: Uncertain significance. Last evaluated: 2024-01-22. Review status: criteria provided, single submitter. Criteria: Invitae Variant Classification Sherloc (09022015). Collection method: clinical testing. Allele origin: germline.
Comment: This sequence change replaces glycine, which is neutral and non-polar, with glutamic acid, which is acidic and polar, at codon 1497 of the SPEG protein (p.Gly1497Glu). This variant is present in population databases (rs765319097, gnomAD 0.003%). This variant has not been reported in the literature in individuals affected with SPEG-related conditions. ClinVar contains an entry for this variant (Variation ID: 1491256). Algorithms developed to predict the effect of missense changes on protein structure and function output the following: SIFT: "Not Available"; PolyPhen-2: "Benign"; Align-GVGD: "Not Available". The glutamic acid amino acid residue is found in multiple mammalian species, which suggests that this missense change does not adversely affect protein function. In summary, the available evidence is currently insufficient to determine the role of this variant in disease. Therefore, it has been classified as a Variant of Uncertain Significance.

NM_005876.5(SPEG):c.4490G>A (p.Gly1497Glu)

Gene: SPEG (striated muscle enriched protein kinase; plus strand). Cytogenetic location: 2q35.
Variant type: single nucleotide variant.
Coding change: c.4490G>A on transcript NM_005876.5 (MANE Select); coding-DNA position 4490, G replaced by A.
Protein change: p.Gly1497Glu; replaces glycine 1497 with glutamic acid.
Molecular consequence: missense variant.
Genome position (GRCh38, 1-based): chr2:219,476,912, G>A. VCF-style: chr2-219476912-G-A. GRCh37 (hg19) VCF-style: chr2-220341634-G-A.
Other names: short protein forms G1497E.
Identifiers: ClinVar variation 1491256 (VCV001491256.4), dbSNP rs765319097, ClinGen allele CA2126524.